The following is an entry in ClinVar:

ClinVar aggregate classification (germline): Uncertain significance. Review status: criteria provided, multiple submitters, no conflicts (2 of 4 stars). 3 submissions from 3 submitters: Uncertain significance (3). Last evaluated 2026-01-04.

Conditions:
Hereditary cancer-predisposing syndrome. Also called: Tumor predisposition; Hereditary neoplastic syndrome; Hereditary Cancer Syndrome; Neoplastic Syndromes, Hereditary. Identifiers: Orphanet 140162, MedGen C0027672, MeSH D009386, MONDO:0015356.

Allele frequency attached by ClinVar (database versions not stated): gnomAD exomes 0.00001.
gnomAD v4.1: 12 of 1,614,042 alleles (0.00074%); highest among the groups gnomAD compares: East Asian, 0.0045%; no homozygotes.

Submissions (3):

Labcorp Genetics (formerly Invitae), Labcorp
Classification: Uncertain significance. Last evaluated: 2026-01-04. Review status: criteria provided, single submitter. Criteria: Invitae Variant Classification Sherloc (09022015). Collection method: clinical testing. Allele origin: germline.
Comment: This sequence change replaces lysine, which is basic and polar, with glutamic acid, which is acidic and polar, at codon 477 of the FH protein (p.Lys477Glu). This variant is not present in population databases (gnomAD no frequency). This variant has not been reported in the literature in individuals affected with FH-related conditions. ClinVar contains an entry for this variant (Variation ID: 936643). Invitae Evidence Modeling of protein sequence and biophysical properties (such as structural, functional, and spatial information, amino acid conservation, physicochemical variation, residue mobility, and thermodynamic stability) has been performed for this missense variant. However, the output from this modeling did not meet the statistical confidence thresholds required to predict the impact of this variant on FH protein function. In summary, the available evidence is currently insufficient to determine the role of this variant in disease. Therefore, it has been classified as a Variant of Uncertain Significance.

Ambry Genetics
Classification: Uncertain significance for Hereditary cancer-predisposing syndrome. Last evaluated: 2025-09-30. Review status: criteria provided, single submitter. Criteria: Ambry Variant Classification Scheme 2023. Collection method: clinical testing. Allele origin: germline.
Comment: The p.K477E variant (also known as c.1429A>G), located in coding exon 10 of the FH gene, results from an A to G substitution at nucleotide position 1429. The lysine at codon 477 is replaced by glutamic acid, an amino acid with similar properties. This amino acid position is well conserved in available vertebrate species. In addition, the in silico prediction for this alteration is inconclusive. Based on the available evidence, the clinical significance of this variant remains unclear.

Quest Diagnostics Nichols Institute San Juan Capistrano
Classification: Uncertain significance. Last evaluated: 2025-01-28. Review status: criteria provided, single submitter. Criteria: Quest Diagnostics criteria. Collection method: clinical testing. Allele origin: unknown.
Comment: The FH c.1429A>G (p.Lys477Glu) variant has not been reported in individuals with FH-related conditions in the published literature. It also has not been reported in large, multi-ethnic general populations (Genome Aggregation Database). Analysis of this variant using bioinformatics tools for the prediction of the effect of amino acid changes on protein structure and function yielded conflicting predictions that this variant is deleterious or benign. Based on the available information, we are unable to determine the clinical significance of this variant.

NM_000143.4(FH):c.1429A>G (p.Lys477Glu)

Gene: FH (fumarate hydratase; minus strand). Cytogenetic location: 1q43.
Variant type: single nucleotide variant.
Coding change: c.1429A>G on transcript NM_000143.4 (MANE Select); coding-DNA position 1429, A replaced by G.
Protein change: p.Lys477Glu; replaces lysine 477 with glutamic acid.
Molecular consequence: missense variant.
Genome position (GRCh38, 1-based): chr1:241,497,932, T>C on the plus strand (A>G on the coding strand, the complement: FH is on the minus strand). VCF-style: chr1-241497932-T-C. GRCh37 (hg19) VCF-style: chr1-241661232-T-C.
Other names: short protein forms K477E.
Identifiers: ClinVar variation 936643 (VCV000936643.11), dbSNP rs547519260, ClinGen allele CA345450776.